The following is an entry in ClinVar:

ClinVar aggregate classification (germline): Pathogenic (1 of 4 stars; one submission).

Conditions:
Granulomatous disease, chronic, autosomal recessive, cytochrome b-negative. Also called: CGD DUE TO DEFICIENCY OF THE ALPHA SUBUNIT OF CYTOCHROME b; CGD, AUTOSOMAL RECESSIVE CYTOCHROME b-NEGATIVE; CYBA DEFICIENCY; GRANULOMATOUS DISEASE, CHRONIC, AUTOSOMAL RECESSIVE, 4; Chronic granulomatous disease, autosomal, due to deficiency of CYBA. Identifiers: Orphanet 379, MedGen C1856255, MONDO:0009308, OMIM 233690.

Submission:

Labcorp Genetics (formerly Invitae), Labcorp
Classification: Pathogenic for Granulomatous disease, chronic, autosomal recessive, cytochrome b-negative. Last evaluated: 2024-12-08. Review status: criteria provided, single submitter. Criteria: Invitae Variant Classification Sherloc (09022015). Collection method: clinical testing. Allele origin: germline.
Comment: This sequence change affects an acceptor splice site in intron 4 of the CYBA gene. It is expected to disrupt RNA splicing. Variants that disrupt the donor or acceptor splice site typically lead to a loss of protein function (PMID: 16199547), and loss-of-function variants in CYBA are known to be pathogenic (PMID: 10910929, 20167518, 22876374). This variant is not present in population databases (gnomAD no frequency). Disruption of this splice site has been observed in individuals with CYBA-related conditions (PMID: 33717137; internal data). Algorithms developed to predict the effect of sequence changes on RNA splicing suggest that this variant may disrupt the consensus splice site. For these reasons, this variant has been classified as Pathogenic.

Literature cited by the submitters: PubMed 16199547; PubMed 10910929; PubMed 20167518; PubMed 22876374; PubMed 33717137.

NM_000101.4(CYBA):c.288-2A>G

Gene: CYBA (cytochrome b-245 alpha chain; minus strand). Cytogenetic location: 16q24.2.
Variant type: single nucleotide variant.
Coding change: c.288-2A>G on transcript NM_000101.4 (MANE Select); the canonical splice acceptor site of the intron before coding-DNA position 288, A replaced by G.
Molecular consequence: splice acceptor variant.
Genome position (GRCh38, 1-based): chr16:88,646,199, T>C on the plus strand (A>G on the coding strand, the complement: CYBA is on the minus strand). VCF-style: chr16-88646199-T-C. GRCh37 (hg19) VCF-style: chr16-88712607-T-C.
Identifiers: ClinVar variation 3725589 (VCV003725589.2).